The following is an entry in ClinVar:

ClinVar aggregate classification (germline): Likely benign (1 of 4 stars; one submission).

Allele frequency attached by ClinVar (database versions not stated): 1000 Genomes Project 30x 0.00250; 1000 Genomes Project 0.00260; gnomAD 0.00277 and 0.00300; TOPMed 0.00325.
gnomAD v4.1: 422 of 152,282 alleles (0.28%); highest among the groups gnomAD compares: African/African-American, 0.97%; 3 homozygotes.

Submission:

GeneDx
Classification: Likely benign. Last evaluated: 2018-06-16. Review status: criteria provided, single submitter. Criteria: GeneDx Variant Classification (06012015). Collection method: clinical testing. Allele origin: germline. Affected: yes.
Comment: This variant is considered likely benign or benign based on one or more of the following criteria: it is a conservative change, it occurs at a poorly conserved position in the protein, it is predicted to be benign by multiple in silico algorithms, and/or has population frequency not consistent with disease.

NM_001256545.2(MEGF10):c.2491+303A>G

Gene: MEGF10 (multiple EGF like domains 10; plus strand). Cytogenetic location: 5q23.2.
Variant type: single nucleotide variant.
Coding change: c.2491+303A>G on transcript NM_001256545.2 (MANE Select); 303 bases into the intron after coding-DNA position 2491, A replaced by G.
Molecular consequence: intron variant.
Genome position (GRCh38, 1-based): chr5:127,443,429, A>G. VCF-style: chr5-127443429-A-G. GRCh37 (hg19) VCF-style: chr5-126779121-A-G.
Other names: c.2491+303A>G (NM_032446.3).
Identifiers: ClinVar variation 673636 (VCV000673636.1), dbSNP rs185245474, ClinGen allele CA126965473.